The following is an entry in ClinVar:

NM_001130987.2(DYSF):c.1380+136C>T

Gene: DYSF (dysferlin; plus strand). Cytogenetic location: 2p13.2.
Variant type: single nucleotide variant.
Coding change: c.1380+136C>T on transcript NM_001130987.2 (MANE Select); 136 bases into the intron after coding-DNA position 1380, C replaced by T.
Molecular consequence: intron variant.
Genome position (GRCh38, 1-based): chr2:71,528,537, C>T. VCF-style: chr2-71528537-C-T. GRCh37 (hg19) VCF-style: chr2-71755667-C-T.
Other names: c.1377+136C>T (NM_001130979.2, NM_001130981.2, NM_001130980.2); c.1284+136C>T (NM_001130978.2, NM_003494.4, NM_001130977.2 and 1 more transcripts); c.1380+136C>T (NM_001130982.2, NM_001130985.2); c.1287+136C>T (NM_001130983.2, NM_001130455.2, NM_001130984.2 and 1 more transcripts).
Identifiers: ClinVar variation 678253 (VCV000678253.1), dbSNP rs72900820, ClinGen allele CA49773524.
Genomic context (GRCh38, chr2:71,528,537, plus strand): 5'-CAAGACAGAGTGAGATGCCCCCACCAGAGGTGTGTGCACAAGGAGTGGCTGATCCTGGTG[C>T]GTGGTGAGACACCCACATAGGCCCAGCTCTCAGGGACTGCCCCGCACACGAATGTGGACA-3'

ClinVar aggregate classification (germline): Benign (1 of 4 stars; one submission).

Allele frequency attached by ClinVar (database versions not stated): gnomAD exomes 0.00512; gnomAD 0.03972 and 0.04244; 1000 Genomes Project 0.04473; TOPMed 0.04493; 1000 Genomes Project 30x 0.05044.
gnomAD v4.1: 9,171 of 740,616 alleles (1.2%); highest among the groups gnomAD compares: African/African-American, 14%; 538 homozygotes.

Submission:

GeneDx
Classification: Benign. Last evaluated: 2018-06-16. Review status: criteria provided, single submitter. Criteria: GeneDx Variant Classification (06012015). Collection method: clinical testing. Allele origin: germline. Affected: yes.
Comment: This variant is considered likely benign or benign based on one or more of the following criteria: it is a conservative change, it occurs at a poorly conserved position in the protein, it is predicted to be benign by multiple in silico algorithms, and/or has population frequency not consistent with disease.